The following is an entry in ClinVar:

ClinVar aggregate classification (germline): Pathogenic. Review status: criteria provided, multiple submitters, no conflicts (2 of 4 stars). 2 submissions from 2 submitters: Pathogenic (2). Last evaluated 2025-03-14.

Conditions:
Meckel-Gruber syndrome. Also called: Dysencephalia splachnocystica; DYSENCEPHALIA SPLANCHNOCYSTICA; GRUBER SYNDROME. Identifiers: Orphanet 564, MedGen C0265215, MONDO:0018921.
Nephronophthisis. Also called: Juvenile Nephronophthisis. Identifiers: Orphanet 655, MedGen C0687120, MONDO:0019005, HP:0000090.
Joubert syndrome. Also called: Familial aplasia of the vermis; JOUBERT-BOLTSHAUSER SYNDROME. Identifiers: Orphanet 475, MedGen C5979921, MONDO:0018772.
CEP290-related ciliopathy. Also called: CEP290 ciliopathy. Identifiers: MedGen CN305601, MONDO:0100451.

Submissions (2):

Myriad Genetics, Inc.
Classification: Pathogenic for CEP290-related ciliopathy. Last evaluated: 2025-03-14. Review status: criteria provided, single submitter. Criteria: Myriad Autosomal Dominant, Autosomal Recessive and X-Linked Classification Criteria (2023). Collection method: clinical testing. Allele origin: unknown.
Comment: NM_025114.3(CEP290):c.2902C>T(Q968*) is expected to be pathogenic in the context of CEP290-related disorders. This variant is predicted to lead to an abnormal or absent protein product due to the creation of a premature termination codon in CEP290, a gene where loss-of-function variants are known to be pathogenic. Please note: this variant was assessed in the context of healthy population screening.

Labcorp Genetics (formerly Invitae), Labcorp
Classification: Pathogenic for Joubert syndrome; Meckel-Gruber syndrome; Nephronophthisis. Last evaluated: 2021-02-14. Review status: criteria provided, single submitter. Criteria: Invitae Variant Classification Sherloc (09022015). Collection method: clinical testing. Allele origin: germline.
Comment: For these reasons, this variant has been classified as Pathogenic. This variant has not been reported in the literature in individuals with CEP290-related conditions. This variant is not present in population databases (ExAC no frequency). This sequence change creates a premature translational stop signal (p.Gln968*) in the CEP290 gene. It is expected to result in an absent or disrupted protein product. Loss-of-function variants in CEP290 are known to be pathogenic (PMID: 16909394, 17345604, 20690115).

Literature cited by the submitters: PubMed 16909394 (cited by Labcorp Genetics (formerly Invitae), Labcorp); PubMed 17345604 (cited by Labcorp Genetics (formerly Invitae), Labcorp); PubMed 20690115 (cited by Labcorp Genetics (formerly Invitae), Labcorp).

NM_025114.4(CEP290):c.2902C>T (p.Gln968Ter)

Gene: CEP290 (centrosomal protein 290; minus strand). Cytogenetic location: 12q21.32.
Variant type: single nucleotide variant.
Coding change: c.2902C>T on transcript NM_025114.4 (MANE Select); coding-DNA position 2902, C replaced by T.
Protein change: p.Gln968Ter; replaces glutamine 968 with a stop codon.
Molecular consequence: nonsense.
Genome position (GRCh38, 1-based): chr12:88,102,927, G>A on the plus strand (C>T on the coding strand, the complement: CEP290 is on the minus strand). VCF-style: chr12-88102927-G-A. GRCh37 (hg19) VCF-style: chr12-88496704-G-A.
Other names: short protein forms Q968*.
Identifiers: ClinVar variation 1449496 (VCV001449496.9), dbSNP rs1592574519, ClinGen allele CA385969559.
Genomic context (GRCh38, chr12:88,102,927, plus strand): 5'-GAACAAGCATATTATCTTTTTGCAAGATGTCCCTGTACTTAGCAGTCAGTTCATTGTACT[G>A]TTTATTAGCCAGTTCTAGTTCAGACAAAGAAACACTATTATCTACAACTTTTTGGAGAGC-3'